The following is an entry in ClinVar:

NM_000257.4(MYH7):c.579G>C (p.Gln193His)

Gene: MYH7 (myosin heavy chain 7; minus strand). Cytogenetic location: 14q11.2.
Variant type: single nucleotide variant.
Coding change: c.579G>C on transcript NM_000257.4 (MANE Select); coding-DNA position 579, G replaced by C.
Protein change: p.Gln193His; replaces glutamine 193 with histidine.
Molecular consequence: missense variant.
Genome position (GRCh38, 1-based): chr14:23,431,821, C>G on the plus strand (G>C on the coding strand, the complement: MYH7 is on the minus strand). VCF-style: chr14-23431821-C-G. GRCh37 (hg19) VCF-style: chr14-23901030-C-G.
Other names: c.579G>C, p.Gln193His (NM_001407004.1); short protein forms Q193H.
Identifiers: ClinVar variation 4758153 (VCV004758153.1).

ClinVar aggregate classification (germline): Uncertain significance (1 of 4 stars; one submission).

Conditions:
Cardiomyopathy (CMYO). Also called: Cardiomyopathies. Identifiers: Orphanet 167848, MedGen C0878544, MONDO:0004994, HP:0001638. Inheritance: Various modes of inheritance.

Submission:

Color Diagnostics, LLC DBA Color Health
Classification: Uncertain significance for Cardiomyopathy. Last evaluated: 2025-10-27. Review status: criteria provided, single submitter. Criteria: ACMG Guidelines, 2015. Collection method: clinical testing. Allele origin: germline.
Comment: This missense variant replaces glutamine with histidine at codon 193 of the MYH7 protein. Computational prediction suggests that this variant may have deleterious impact on protein structure and function. To our knowledge, functional studies have not been reported for this variant. This variant has not been reported in individuals affected with MYH7-related disorders in the literature. This variant has not been identified in the general population by the Genome Aggregation Database (gnomAD). The available evidence is insufficient to determine the role of this variant in disease conclusively. Therefore, this variant is classified as a Variant of Uncertain Significance.